The following is an entry in ClinVar:

ClinVar aggregate classification (germline): Uncertain significance (1 of 4 stars; one submission).

Conditions:
Dyskeratosis congenita, autosomal dominant 2. Identifiers: MedGen C3151443, MONDO:0013521, OMIM 613989.
Idiopathic Pulmonary Fibrosis. Also called: Idiopathic fibrosing alveolitis, chronic form; idiopathic fibrosing alveolitis. Identifiers: Orphanet 2032, MedGen C1800706, MeSH D054990, MONDO:0800504.

Allele frequency attached by ClinVar (database versions not stated): TOPMed below 0.00001.

Submission:

Labcorp Genetics (formerly Invitae), Labcorp
Classification: Uncertain significance for Dyskeratosis congenita, autosomal dominant 2; Idiopathic Pulmonary Fibrosis. Last evaluated: 2023-06-27. Review status: criteria provided, single submitter. Criteria: Invitae Variant Classification Sherloc (09022015). Collection method: clinical testing. Allele origin: germline.
Comment: In summary, the available evidence is currently insufficient to determine the role of this variant in disease. Therefore, it has been classified as a Variant of Uncertain Significance. Advanced modeling of protein sequence and biophysical properties (such as structural, functional, and spatial information, amino acid conservation, physicochemical variation, residue mobility, and thermodynamic stability) has been performed at Invitae for this missense variant, however the output from this modeling did not meet the statistical confidence thresholds required to predict the impact of this variant on TERT protein function. ClinVar contains an entry for this variant (Variation ID: 1395413). This variant has not been reported in the literature in individuals affected with TERT-related conditions. This variant is not present in population databases (gnomAD no frequency). This sequence change replaces proline, which is neutral and non-polar, with threonine, which is neutral and polar, at codon 2 of the TERT protein (p.Pro2Thr).

NM_198253.3(TERT):c.4C>A (p.Pro2Thr)

Genes: TERT (telomerase reverse transcriptase; minus strand), LOC110806263 (TERT 5' regulatory region; plus strand). Cytogenetic location: 5p15.33.
Variant type: single nucleotide variant.
Coding change: c.4C>A on transcript NM_198253.3 (MANE Select); coding-DNA position 4, C replaced by A.
Protein change: p.Pro2Thr; replaces proline 2 with threonine.
Molecular consequence: missense variant. On other transcripts: non-coding transcript variant (2).
Genome position (GRCh38, 1-based): chr5:1,294,986, G>T on the plus strand (C>A on the coding strand, the complement: TERT is on the minus strand). VCF-style: chr5-1294986-G-T. GRCh37 (hg19) VCF-style: chr5-1295101-G-T.
Other names: c.4C>A, p.Pro2Thr (NM_001193376.3); short protein forms P2T.
Identifiers: ClinVar variation 1395413 (VCV001395413.6), dbSNP rs1751303585, ClinGen allele CA359060100.